The following is an entry in ClinVar:

NM_021615.5(CHST6):c.165C>A (p.Phe55Leu)

Gene: CHST6 (carbohydrate sulfotransferase 6; minus strand). Cytogenetic location: 16q23.1.
Variant type: single nucleotide variant.
Coding change: c.165C>A on transcript NM_021615.5 (MANE Select); coding-DNA position 165, C replaced by A.
Protein change: p.Phe55Leu; replaces phenylalanine 55 with leucine.
Molecular consequence: missense variant.
Genome position (GRCh38, 1-based): chr16:75,479,664, G>T on the plus strand (C>A on the coding strand, the complement: CHST6 is on the minus strand). VCF-style: chr16-75479664-G-T. GRCh37 (hg19) VCF-style: chr16-75513562-G-T.
Other names: short protein forms F55L.
Identifiers: ClinVar variation 4850374 (VCV004850374.1).

ClinVar aggregate classification (germline): Likely pathogenic (1 of 4 stars; one submission).

Conditions:
Macular corneal dystrophy (MCD). Also called: Macular corneal dystrophy Type I; GROENOUW TYPE II CORNEAL DYSTROPHY. Identifiers: Orphanet 98969, MedGen C1636149, MONDO:0009020, OMIM 217800.

gnomAD v4.1: 2 of 1,612,592 alleles (0.00012%); highest among the groups gnomAD compares: African/African-American, 0.0027%; no homozygotes.

Submission:

First Genomix Gene Laboratory, Genetic Diagnostics Department
Classification: Likely pathogenic for Macular corneal dystrophy. Last evaluated: 2025-08-22. Review status: criteria provided, single submitter. Criteria: ACMG Guidelines, 2015. Collection method: clinical testing. Allele origin: germline. Inheritance: Autosomal recessive inheritance. Affected: no. Observed: 1 variant allele.